The following is an entry in ClinVar:

NM_001127511.3(APC):c.71C>T (p.Ser24Phe)

Gene: APC (APC regulator of Wnt signaling pathway; plus strand). Cytogenetic location: 5q22.2.
Variant type: single nucleotide variant.
Coding change: c.71C>T on transcript NM_001127511.3; coding-DNA position 71, C replaced by T.
Protein change: p.Ser24Phe; replaces serine 24 with phenylalanine.
Molecular consequence: missense variant. On other transcripts: 5 prime UTR variant (8), non-coding transcript variant (1), intron variant (5), genic upstream transcript variant (1).
Genome position (GRCh38, 1-based): chr5:112,707,788, C>T. VCF-style: chr5-112707788-C-T. GRCh37 (hg19) VCF-style: chr5-112043485-C-T.
Other names: c.71C>T (NM_001354897.1); c.-113C>T (NM_001354895.2, NM_001407447.1, NM_001407452.1 and 3 more transcripts); c.71C>T, p.Ser24Phe (NM_001354897.2, NM_001354902.2, NM_001407446.1); c.-1148C>T (NM_001407470.1, NM_001407472.1); c.-19+139C>T (NM_001407448.1, NM_001407450.1, NM_001407457.1 and 1 more transcripts); c.-43+139C>T (NM_001407453.1); c.-30156C>T (NM_000038.6); short protein forms S24F.
Identifiers: ClinVar variation 371851 (VCV000371851.23), dbSNP rs770241997, ClinGen allele CA059369.

ClinVar aggregate classification (germline): Conflicting classifications of pathogenicity. Review status: criteria provided, conflicting classifications (1 of 4 stars). 5 submissions from 5 submitters: Uncertain significance (2); Likely benign (2). 1 of the submissions does not count toward it. Last evaluated 2026-08-17.

Conditions:
Familial adenomatous polyposis 1 (FAP1). Also called: FAMILIAL ADENOMATOUS POLYPOSIS 1, ATTENUATED; POLYPOSIS, ADENOMATOUS INTESTINAL. Identifiers: MedGen C2713442, MONDO:0021056, OMIM 175100. Disease mechanism: loss of function.
Colorectal cancer. Also called: Colorectal cancer, somatic; Malignant Colorectal Neoplasm. Identifiers: MedGen C0346629, MONDO:0005575, OMIM 114500.
Desmoid disease, hereditary (DESMD). Also called: FIBROMATOSIS, FAMILIAL INFILTRATIVE. Identifiers: Orphanet 873, MedGen C1851124, OMIM 135290. Disease mechanism: loss of function.
Gastric adenocarcinoma and proximal polyposis of the stomach (GAPPS). Also called: Gastric Adenocarcinoma and Proximal Polyposis of the Stomach (GAPPS); Polyposis, gastric, Dos Santos and de Magalhaes 1980; POLYPOSIS, GASTRIC. Identifiers: Orphanet 314022, MedGen C4749917, MONDO:0017790, OMIM 619182.
Gastric cancer. Also called: Malignant tumor of stomach; Stomach cancer. Identifiers: MedGen C0024623, MeSH D013274, MONDO:0001056, OMIM 613659, HP:0012126.
Hepatocellular carcinoma (HCC). Also called: Primary carcinoma of liver; HEPATOMA; LIVER CELL CARCINOMA. Identifiers: Orphanet 88673, MedGen C2239176, MONDO:0007256, OMIM 114550, HP:0001402.
APC-related disorder. Also called: APC-related condition.

Allele frequency attached by ClinVar (database versions not stated): gnomAD 0.00003; gnomAD exomes 0.00003; TOPMed 0.00004; ExAC 0.00008.
gnomAD v4.1: 39 of 1,370,544 alleles (0.0028%); highest among the groups gnomAD compares: Middle Eastern, 0.058%; no homozygotes.

Submissions (5):

PreventionGenetics, part of Exact Sciences
Classification: Likely benign for APC-related condition. Last evaluated: 2026-08-17. Review status: criteria provided, single submitter. Criteria: ACMG Guidelines, 2015. Collection method: clinical testing. Allele origin: germline.
Comment: This variant is classified as likely benign based on ACMG/AMP sequence variant interpretation guidelines (Richards et al. 2015 PMID: 25741868, with internal and published modifications).

Labcorp Genetics (formerly Invitae), Labcorp
Classification: Likely benign for Familial adenomatous polyposis 1. Last evaluated: 2026-01-19. Review status: criteria provided, single submitter. Criteria: Invitae Variant Classification Sherloc (09022015). Collection method: clinical testing. Allele origin: germline.

Center for Genomic Medicine, Rigshospitalet, Copenhagen University Hospital
Classification: Uncertain significance. Last evaluated: 2025-03-04. Review status: criteria provided, single submitter. Criteria: ACMG Guidelines, 2015. Collection method: clinical testing. Allele origin: germline.

Fulgent Genetics
Classification: Uncertain significance for Colorectal cancer; Hepatocellular carcinoma; Desmoid disease, hereditary; Familial adenomatous polyposis 1; Gastric cancer; Gastric adenocarcinoma and proximal polyposis of the stomach. Last evaluated: 2024-01-29. Review status: criteria provided, single submitter. Criteria: ACMG Guidelines, 2015. Collection method: clinical testing. Allele origin: germline.

Counsyl
Classification: Uncertain significance for Familial adenomatous polyposis 1. Last evaluated: 2016-05-09. Review status: no assertion criteria provided. Collection method: clinical testing. Allele origin: unknown. Not counted in ClinVar's aggregate classification.